The following is an entry in ClinVar:

NM_020937.4(FANCM):c.5936T>C (p.Ile1979Thr)

Gene: FANCM (FA complementation group M; plus strand). Cytogenetic location: 14q21.2.
Variant type: single nucleotide variant.
Coding change: c.5936T>C on transcript NM_020937.4 (MANE Select); coding-DNA position 5936, T replaced by C.
Protein change: p.Ile1979Thr; replaces isoleucine 1979 with threonine.
Molecular consequence: missense variant.
Genome position (GRCh38, 1-based): chr14:45,198,863, T>C. VCF-style: chr14-45198863-T-C. GRCh37 (hg19) VCF-style: chr14-45668066-T-C.
Other names: c.5858T>C, p.Ile1953Thr (NM_001308133.2); short protein forms I1953T, I1979T.
Identifiers: ClinVar variation 4871196 (VCV004871196.1).

ClinVar aggregate classification (germline): Uncertain significance (1 of 4 stars; one submission).

Conditions:
Inborn genetic diseases. Identifiers: MedGen C0950123, MeSH D030342.

gnomAD v4.1: 1 of 1,611,534 alleles (0.000062%); highest among the groups gnomAD compares: African/African-American, 0.0013%; no homozygotes.

Submission:

Ambry Genetics
Classification: Uncertain significance for Inborn genetic diseases. Last evaluated: 2026-06-13. Review status: criteria provided, single submitter. Criteria: Ambry Variant Classification Scheme 2023. Collection method: clinical testing. Allele origin: germline.
Comment: The p.I1979T variant (also known as c.5936T>C), located in coding exon 22 of the FANCM gene, results from a T to C substitution at nucleotide position 5936. The isoleucine at codon 1979 is replaced by threonine, an amino acid with similar properties. This amino acid position is conserved. In addition, the in silico prediction for this alteration is inconclusive. Based on the available evidence, the clinical significance of this variant remains unclear.